The following is an entry in ClinVar:

NC_000023.10:g.(?_31462578)_(31645999_?)dup

Gene: DMD (dystrophin; minus strand). Cytogenetic location: Xp21.2-21.1.
Variant type: Duplication.
Identifiers: ClinVar variation 2424863 (VCV002424863.4).

ClinVar aggregate classification (germline): Likely pathogenic (1 of 4 stars; one submission).

Conditions:
Duchenne muscular dystrophy (DMD). Also called: Duchenne Muscular Dystrophy (DMD); MUSCULAR DYSTROPHY, PSEUDOHYPERTROPHIC PROGRESSIVE, DUCHENNE TYPE. Identifiers: Orphanet 98896, MedGen C0013264, MONDO:0010679, OMIM 310200.

Submission:

Labcorp Genetics (formerly Invitae), Labcorp
Classification: Likely pathogenic for Duchenne muscular dystrophy. Last evaluated: 2022-09-23. Review status: criteria provided, single submitter. Criteria: Invitae Variant Classification Sherloc (09022015). Collection method: clinical testing. Allele origin: germline.
Comment: This variant results in a copy number gain of the genomic region encompassing exon(s) 55-60 of the DMD gene. While the exact position of this variant cannot be determined from the data, sub-genic copy number gains are generally in tandem (PMID: 25640679). This variant is predicted to be out-of-frame, and may result in an absent or disrupted protein product. Loss-of-function variants in DMD are known to be pathogenic (PMID: 16770791, 25007885). A similar copy number variant has been observed in individual(s) with clinical features of DMD-related conditions (PMID: 17726484). In summary, the currently available evidence indicates that the variant is pathogenic, but additional data are needed to prove that conclusively. Therefore, this variant has been classified as Likely Pathogenic.

Literature cited by the submitters: PubMed 25640679; PubMed 16770791; PubMed 25007885; PubMed 17726484.